The following is an entry in ClinVar:

NM_001376.5(DYNC1H1):c.2715_2718+2del

Gene: DYNC1H1 (dynein cytoplasmic 1 heavy chain 1; plus strand). Cytogenetic location: 14q32.31.
Variant type: Deletion.
Coding change: c.2715_2718+2del on transcript NM_001376.5 (MANE Select); coding-DNA position 2715 through the canonical splice donor site of the intron after coding-DNA position 2718, 6 bases deleted (GGAGGT; older notation c.2715_2718+2delGGAGGT).
Molecular consequence: splice donor variant.
Genome position (GRCh38, 1-based): chr14:101,987,629-101,987,634, GGAGGT deleted; deleting any 6 consecutive bases within chr14:101,987,628-101,987,634 gives the same sequence; the c. name uses the placement nearest the transcript's 3' end. VCF-style (leftmost placement, unchanged base first): chr14-101987627-ATGGAGG-A. GRCh37 (hg19) VCF-style: chr14-102453964-ATGGAGG-A.
Identifiers: ClinVar variation 2771731 (VCV002771731.3), dbSNP rs2503698817, ClinGen allele CA2697554200.

ClinVar aggregate classification (germline): Uncertain significance (1 of 4 stars; one submission).

Conditions:
Charcot-Marie-Tooth disease axonal type 2O. Also called: CHARCOT-MARIE-TOOTH NEUROPATHY, AXONAL, TYPE 2O; CHARCOT-MARIE-TOOTH DISEASE, AXONAL, AUTOSOMAL DOMINANT, TYPE 2O; Charcot-Marie-Tooth Neuropathy Type 2O; Charcot-Marie-Tooth disease, axonal, type 20. Identifiers: Orphanet 284232, MedGen C3280220, MONDO:0013644, OMIM 614228.

Submission:

Labcorp Genetics (formerly Invitae), Labcorp
Classification: Uncertain significance for Charcot-Marie-Tooth disease axonal type 2O. Last evaluated: 2023-10-25. Review status: criteria provided, single submitter. Criteria: Invitae Variant Classification Sherloc (09022015). Collection method: clinical testing. Allele origin: germline.
Comment: This variant results in the deletion of part of exon 9 (c.2715_2718+2del) of the DYNC1H1 gene. It is expected to disrupt RNA splicing. Variants that disrupt the donor or acceptor splice site typically lead to a loss of protein function (PMID: 16199547), however the current clinical and genetic evidence is not sufficient to establish whether loss-of-function variants in DYNC1H1 cause disease. This variant is not present in population databases (gnomAD no frequency). This variant has not been reported in the literature in individuals affected with DYNC1H1-related conditions. Experimental studies and prediction algorithms are not available or were not evaluated, and the functional significance of this variant is currently unknown. In summary, the available evidence is currently insufficient to determine the role of this variant in disease. Therefore, it has been classified as a Variant of Uncertain Significance.

Literature cited by the submitters: PubMed 16199547.